The following is an entry in ClinVar:

NM_138386.3(NAF1):c.1105C>T (p.Arg369Cys)

Gene: NAF1 (nuclear assembly factor 1 ribonucleoprotein; minus strand). Cytogenetic location: 4q32.2.
Variant type: single nucleotide variant.
Coding change: c.1105C>T on transcript NM_138386.3 (MANE Select); coding-DNA position 1105, C replaced by T.
Protein change: p.Arg369Cys; replaces arginine 369 with cysteine.
Molecular consequence: missense variant. On other transcripts: intron variant (1).
Genome position (GRCh38, 1-based): chr4:163,129,277, G>A on the plus strand (C>T on the coding strand, the complement: NAF1 is on the minus strand). VCF-style: chr4-163129277-G-A. GRCh37 (hg19) VCF-style: chr4-164050429-G-A.
Other names: c.1034-2162C>T (NM_001128931.2); short protein forms R369C.
Identifiers: ClinVar variation 2890951 (VCV002890951.3), dbSNP rs148428012, ClinGen allele CA3126163.

ClinVar aggregate classification (germline): Uncertain significance (1 of 4 stars; one submission).

Allele frequency attached by ClinVar (database versions not stated): gnomAD 0.00002; ESP Exome Variant Server 0.00015; TOPMed 0.00003; ExAC 0.00002.
gnomAD v4.1: 41 of 1,613,962 alleles (0.0025%); highest among the groups gnomAD compares: Non-Finnish European, 0.0031%; no homozygotes.

Submission:

Labcorp Genetics (formerly Invitae), Labcorp
Classification: Uncertain significance. Last evaluated: 2025-10-02. Review status: criteria provided, single submitter. Criteria: Invitae Variant Classification Sherloc (09022015). Collection method: clinical testing. Allele origin: germline.
Comment: This sequence change replaces arginine, which is basic and polar, with cysteine, which is neutral and slightly polar, at codon 369 of the NAF1 protein (p.Arg369Cys). This variant is present in population databases (rs148428012, gnomAD 0.005%). This variant has not been reported in the literature in individuals affected with NAF1-related conditions. ClinVar contains an entry for this variant (Variation ID: 2890951). An algorithm developed to predict the effect of missense changes on protein structure and function (PolyPhen-2) suggests that this variant is likely to be tolerated. In summary, the available evidence is currently insufficient to determine the role of this variant in disease. Therefore, it has been classified as a Variant of Uncertain Significance.